The following is an entry in ClinVar:

ClinVar aggregate classification (germline): Uncertain significance (1 of 4 stars; one submission).

Conditions:
Congenital myasthenic syndrome 2A. Also called: Myasthenic syndrome, congenital, 2a, slow-channel. Identifiers: Orphanet 590, MedGen C4225374, MONDO:0014581, OMIM 616313.

Allele frequency attached by ClinVar (database versions not stated): ExAC 0.00001; gnomAD 0.00001; TOPMed 0.00001.
gnomAD v4.1: 9 of 1,610,544 alleles (0.00056%); highest among the groups gnomAD compares: Non-Finnish European, 0.00076%; no homozygotes.

Submission:

Labcorp Genetics (formerly Invitae), Labcorp
Classification: Uncertain significance for Congenital myasthenic syndrome 2A. Last evaluated: 2022-07-27. Review status: criteria provided, single submitter. Criteria: Invitae Variant Classification Sherloc (09022015). Collection method: clinical testing. Allele origin: germline.
Comment: This sequence change replaces proline, which is neutral and non-polar, with glutamine, which is neutral and polar, at codon 19 of the CHRNB1 protein (p.Pro19Gln). This variant is present in population databases (rs759176796, gnomAD 0.002%). This variant has not been reported in the literature in individuals affected with CHRNB1-related conditions. ClinVar contains an entry for this variant (Variation ID: 1506790). Algorithms developed to predict the effect of missense changes on protein structure and function are either unavailable or do not agree on the potential impact of this missense change (SIFT: "Tolerated"; PolyPhen-2: "Not Available"; Align-GVGD: "Class C0"). In summary, the available evidence is currently insufficient to determine the role of this variant in disease. Therefore, it has been classified as a Variant of Uncertain Significance.

NM_000747.3(CHRNB1):c.56C>A (p.Pro19Gln)

Gene: CHRNB1 (cholinergic receptor nicotinic beta 1 subunit; plus strand). Cytogenetic location: 17p13.1.
Variant type: single nucleotide variant.
Coding change: c.56C>A on transcript NM_000747.3 (MANE Select); coding-DNA position 56, C replaced by A.
Protein change: p.Pro19Gln; replaces proline 19 with glutamine.
Molecular consequence: missense variant.
Genome position (GRCh38, 1-based): chr17:7,445,183, C>A. VCF-style: chr17-7445183-C-A. GRCh37 (hg19) VCF-style: chr17-7348502-C-A.
Other names: short protein forms P19Q.
Identifiers: ClinVar variation 1506790 (VCV001506790.8), dbSNP rs759176796, ClinGen allele CA8347605.